The following is an entry in ClinVar:

ClinVar aggregate classification (germline): Conflicting classifications of pathogenicity. Review status: criteria provided, conflicting classifications (1 of 4 stars). 13 submissions from 11 submitters: Uncertain significance (11); Likely benign (2). Last evaluated 2026-08-24.

Conditions:
Cardiovascular phenotype. Identifiers: MedGen CN230736.
DSP-related disorder. Also called: DSP-related condition; DSP-related disorders.
Arrhythmogenic cardiomyopathy with wooly hair and keratoderma. Also called: Dilated cardiomyopathy with woolly hair and keratoderma; Arrhythmogenic cardiomyopathy with woolly hair and keratoderma; PALMOPLANTAR KERATODERMA WITH LEFT VENTRICULAR CARDIOMYOPATHY AND WOOLLY HAIR; Carvajal syndrome. Identifiers: Orphanet 65282, MedGen C1854063, MONDO:0011581, OMIM 605676.
Arrhythmogenic right ventricular dysplasia 8 (ARVD8). Also called: ARRHYTHMOGENIC RIGHT VENTRICULAR CARDIOMYOPATHY 8; Arrhythmogenic Right Ventricular Dysplasia/Cardiomyopathy 8; ARRHYTHMOGENIC RIGHT VENTRICULAR DYSPLASIA, FAMILIAL, 8. Identifiers: MedGen C1843896, MONDO:0011831, OMIM 607450.
Woolly hair-skin fragility syndrome (WHSF). Identifiers: Orphanet 293165, MedGen C1843292, MONDO:0957307, OMIM 620415.
Lethal acantholytic epidermolysis bullosa (EBLA). Identifiers: Orphanet 158687, MedGen C1864826, MONDO:0012323, OMIM 609638.
Cardiomyopathy, dilated, with wooly hair, keratoderma, and tooth agenesis. Also called: Erythrokeratodermia-cardiomyopathy syndrome; Cardiomyopathy, dilated, with woolly hair, keratoderma, and tooth agenesis. Identifiers: Orphanet 476096, Orphanet 65282, MedGen C4014393, MONDO:0014355, OMIM 615821.
Keratosis palmoplantaris striata 2. Also called: KERATODERMA, PALMOPLANTAR, STRIATE FORM II; STRIATE PALMOPLANTAR KERATODERMA II; Keratosis palmoplantaris striata II. Identifiers: MedGen C1852127, MONDO:0013034, OMIM 612908.
Cardiomyopathy (CMYO). Also called: Cardiomyopathies. Identifiers: Orphanet 167848, MedGen C0878544, MONDO:0004994, HP:0001638. Inheritance: Various modes of inheritance.

Allele frequency attached by ClinVar (database versions not stated): gnomAD 0.00003 and 0.00004; TOPMed 0.00005; gnomAD exomes 0.00007 and 0.00004; ExAC 0.00010.
gnomAD v4.1: 57 of 1,613,882 alleles (0.0035%); highest among the groups gnomAD compares: Admixed American, 0.017%; no homozygotes.

Submissions (13):

PreventionGenetics, part of Exact Sciences
Classification: Uncertain significance for DSP-related condition. Last evaluated: 2026-08-24. Review status: criteria provided, single submitter. Criteria: ACMG Guidelines, 2015. Collection method: clinical testing. Allele origin: germline.
Comment: The DSP c.4490G>A variant is predicted to result in the amino acid substitution p.Arg1497Gln. This variant has been reported in two individuals with dilated cardiomyopathy (Table S3, Mazzarotto et al. 2020. PubMed ID: 31983221; Table S9, McGurk et al. 2023. PubMed ID: 37652022). This variant is reported in 0.020% of alleles in individuals of Latino descent in gnomAD. At this time, the clinical significance of this variant is uncertain due to the absence of conclusive functional and genetic evidence.

Labcorp Genetics (formerly Invitae), Labcorp
Classification: Likely benign for Arrhythmogenic cardiomyopathy with wooly hair and keratoderma; Arrhythmogenic right ventricular dysplasia 8. Last evaluated: 2026-01-19. Review status: criteria provided, single submitter. Criteria: Invitae Variant Classification Sherloc (09022015). Collection method: clinical testing. Allele origin: germline.

Ambry Genetics
Classification: Uncertain significance for Cardiovascular phenotype. Last evaluated: 2025-07-03. Review status: criteria provided, single submitter. Criteria: Ambry Variant Classification Scheme 2023. Collection method: clinical testing. Allele origin: germline.

CeGaT Center for Human Genetics Tuebingen
Classification: Uncertain significance. Last evaluated: 2025-06-01. Review status: criteria provided, single submitter. Criteria: CeGaT Center For Human Genetics Tuebingen Variant Classification Criteria Version 2. Collection method: clinical testing. Allele origin: germline. Affected: yes. Observed: 1 variant allele.
Comment: DSP: PM2, BP4

Molecular Diagnostic Laboratory for Inherited Cardiovascular Disease, Montreal Heart Institute
Classification: Uncertain significance for Cardiovascular phenotype. Last evaluated: 2025-02-17. Review status: criteria provided, single submitter. Criteria: ACMG Guidelines, 2015. Collection method: clinical testing. Allele origin: germline. Affected: yes.

Blueprint Genetics
Classification: Likely benign. Last evaluated: 2024-11-15. Review status: criteria provided, single submitter. Criteria: ACMG Guidelines, 2015. Collection method: clinical testing. Allele origin: germline.

Color Diagnostics, LLC DBA Color Health
Classification: Uncertain significance for Cardiomyopathy. Last evaluated: 2024-03-26. Review status: criteria provided, single submitter. Criteria: ACMG Guidelines, 2015. Collection method: clinical testing. Allele origin: germline.
Comment: This missense variant replaces arginine with glutamine at codon 1497 of the DSP protein. Computational prediction suggests that this variant may not impact protein structure and function. To our knowledge, functional studies have not been reported for this variant. This variant has been reported in an individual affected with hypertrophic cardiomyopathy (PMID: 25351510) and in another individual affected with dilated cardiomyopathy (PMID: 3198322). This variant has been identified in 18/249394 chromosomes in the general population by the Genome Aggregation Database (gnomAD). The available evidence is insufficient to determine the role of this variant in disease conclusively. Therefore, this variant is classified as a Variant of Uncertain Significance.

GeneDx
Classification: Uncertain significance. Last evaluated: 2022-02-11. Review status: criteria provided, single submitter. Criteria: GeneDx Variant Classification Process June 2021. Collection method: clinical testing. Allele origin: germline. Affected: yes.
Comment: Identified in patients with cardiomyopathy in the published literature (Lopes et al., 2015; Mazzarotto et al., 2020); In silico analysis supports that this missense variant does not alter protein structure/function; This variant is associated with the following publications: (PMID: 25351510, 31983221)

Fulgent Genetics
Classification: Uncertain significance for Arrhythmogenic cardiomyopathy with wooly hair and keratoderma; Arrhythmogenic right ventricular dysplasia 8; Lethal acantholytic epidermolysis bullosa; Keratosis palmoplantaris striata 2; Cardiomyopathy, dilated, with wooly hair, keratoderma, and tooth agenesis. Last evaluated: 2021-08-25. Review status: criteria provided, single submitter. Criteria: ACMG Guidelines, 2015. Collection method: clinical testing. Allele origin: unknown.

Laboratory for Molecular Medicine, Mass General Brigham Personalized Medicine
Classification: Uncertain significance. Last evaluated: 2019-02-28. Review status: criteria provided, single submitter. Criteria: LMM Criteria. Collection method: clinical testing. Allele origin: germline. Observed: 1 variant allele.
Comment: Variant classified as Uncertain Significance - Favor Benign. It has also been identified in 0.015% (5/33508) of Latino chromosomes by gnomAD. Computational prediction tools and conservation analysis suggest that this variant may not impact the protein, though this information is not predictive enough to rule out pathogenicity. In summary, while the clinical significance of this variant is uncertain, its frequency in the general population suggests that it is more likely to be benign. ACMG/AMP Criteria applied: BP4.

Phosphorus, Inc.
Classification: Uncertain significance for Arrhythmogenic right ventricular dysplasia 8. Last evaluated: 2017-08-01. Review status: criteria provided, single submitter. Criteria: ACMG Guidelines, 2015. Collection method: clinical testing. Allele origin: germline. Observed: 1 variant allele.

Phosphorus, Inc.
Classification: Uncertain significance for Cardiomyopathy, dilated, with wooly hair, keratoderma, and tooth agenesis. Last evaluated: 2017-08-01. Review status: criteria provided, single submitter. Criteria: ACMG Guidelines, 2015. Collection method: clinical testing. Allele origin: germline. Observed: 1 variant allele.

Phosphorus, Inc.
Classification: Uncertain significance for Arrhythmogenic cardiomyopathy with wooly hair and keratoderma. Last evaluated: 2017-08-01. Review status: criteria provided, single submitter. Criteria: ACMG Guidelines, 2015. Collection method: clinical testing. Allele origin: germline. Observed: 1 variant allele.

Literature cited by the submitters: PubMed 3198322 (cited by Color Diagnostics, LLC DBA Color Health); PubMed 25351510 (cited by Color Diagnostics, LLC DBA Color Health).

NM_004415.4(DSP):c.4490G>A (p.Arg1497Gln)

Gene: DSP (desmoplakin; plus strand). Cytogenetic location: 6p24.3.
Variant type: single nucleotide variant.
Coding change: c.4490G>A on transcript NM_004415.4 (MANE Select); coding-DNA position 4490, G replaced by A.
Protein change: p.Arg1497Gln; replaces arginine 1497 with glutamine.
Molecular consequence: missense variant. On other transcripts: intron variant (2).
Genome position (GRCh38, 1-based): chr6:7,580,680, G>A. VCF-style: chr6-7580680-G-A. GRCh37 (hg19) VCF-style: chr6-7580913-G-A.
Other names: c.4050+440G>A (NM_001319034.2); c.3582+908G>A (NM_001008844.3); short protein forms R1497Q.
Identifiers: ClinVar variation 179668 (VCV000179668.38), dbSNP rs727505037, ClinGen allele CA004501.